The following is an entry in ClinVar:

ClinVar aggregate classification (germline): Uncertain significance (1 of 4 stars; one submission).

Conditions:
Multiple endocrine neoplasia, type 1 (MEN1). Also called: MEA I; MEN I; WERMER SYNDROME; Endocrine adenomatosis multiple; MEN 1. Identifiers: Orphanet 652, MedGen C0025267, MeSH D018761, MONDO:0007540, OMIM 131100.

Allele frequency attached by ClinVar (database versions not stated): gnomAD exomes below 0.00001.
gnomAD v4.1: 1 of 1,614,150 alleles (0.000062%); highest among the groups gnomAD compares: Non-Finnish European, 0.000085%; no homozygotes.

Submission:

Labcorp Genetics (formerly Invitae), Labcorp
Classification: Uncertain significance for Multiple endocrine neoplasia, type 1. Last evaluated: 2023-05-05. Review status: criteria provided, single submitter. Criteria: Invitae Variant Classification Sherloc (09022015). Collection method: clinical testing. Allele origin: germline.
Comment: In summary, the available evidence is currently insufficient to determine the role of this variant in disease. Therefore, it has been classified as a Variant of Uncertain Significance. Advanced modeling of protein sequence and biophysical properties (such as structural, functional, and spatial information, amino acid conservation, physicochemical variation, residue mobility, and thermodynamic stability) performed at Invitae indicates that this missense variant is expected to disrupt MEN1 protein function. This variant has not been reported in the literature in individuals affected with MEN1-related conditions. This variant is not present in population databases (gnomAD no frequency). This sequence change replaces histidine, which is basic and polar, with tyrosine, which is neutral and polar, at codon 174 of the MEN1 protein (p.His174Tyr).

NM_001370259.2(MEN1):c.520C>T (p.His174Tyr)

Gene: MEN1 (menin 1; minus strand). Cytogenetic location: 11q13.1.
Variant type: single nucleotide variant.
Coding change: c.520C>T on transcript NM_001370259.2 (MANE Select); coding-DNA position 520, C replaced by T.
Protein change: p.His174Tyr; replaces histidine 174 with tyrosine.
Molecular consequence: missense variant. On other transcripts: non-coding transcript variant (4).
Genome position (GRCh38, 1-based): chr11:64,808,025, G>A on the plus strand (C>T on the coding strand, the complement: MEN1 is on the minus strand). VCF-style: chr11-64808025-G-A. GRCh37 (hg19) VCF-style: chr11-64575497-G-A.
Other names: c.535C>T, p.His179Tyr (NM_000244.4, NM_001407145.1, NM_001407150.1 and 5 more transcripts); c.520C>T, p.His174Tyr (NM_001370251.2, NM_001370260.2, NM_001370261.2 and 12 more transcripts); short protein forms H179Y, H174Y.
Identifiers: ClinVar variation 2796096 (VCV002796096.3), dbSNP rs2136155482, ClinGen allele CA381185993.